The following is an entry in ClinVar:

NM_002350.4(LYN):c.1230G>A (p.Thr410=)

Gene: LYN (LYN proto-oncogene, Src family tyrosine kinase; plus strand). Cytogenetic location: 8q12.1.
Variant type: single nucleotide variant.
Coding change: c.1230G>A on transcript NM_002350.4 (MANE Select); coding-DNA position 1230, G replaced by A.
Protein change: p.Thr410=; no amino-acid change (threonine 410 retained).
Molecular consequence: synonymous variant.
Genome position (GRCh38, 1-based): chr8:55,999,443, G>A. VCF-style: chr8-55999443-G-A. GRCh37 (hg19) VCF-style: chr8-56912002-G-A.
Other names: c.1167G>A, p.Thr389= (NM_001111097.3).
Identifiers: ClinVar variation 2170100 (VCV002170100.28), dbSNP rs369931966, ClinGen allele CA4754214.

ClinVar aggregate classification (germline): Likely benign. Review status: criteria provided, multiple submitters, no conflicts (2 of 4 stars). 2 submissions from 2 submitters: Likely benign (2). Last evaluated 2025-04-07.

Allele frequency attached by ClinVar (database versions not stated): ExAC 0.00003; gnomAD 0.00003; gnomAD exomes 0.00003; ESP Exome Variant Server 0.00008.
gnomAD v4.1: 46 of 1,613,684 alleles (0.0029%); highest among the groups gnomAD compares: Non-Finnish European, 0.0036%; 1 homozygote.

Submissions (2):

Labcorp Genetics (formerly Invitae), Labcorp
Classification: Likely benign. Last evaluated: 2025-04-07. Review status: criteria provided, single submitter. Criteria: Invitae Variant Classification Sherloc (09022015). Collection method: clinical testing. Allele origin: germline.

CeGaT Center for Human Genetics Tuebingen
Classification: Likely benign. Last evaluated: 2022-11-01. Review status: criteria provided, single submitter. Criteria: CeGaT Center For Human Genetics Tuebingen Variant Classification Criteria Version 2. Collection method: clinical testing. Allele origin: germline. Affected: yes. Observed: 1 variant allele.
Comment: LYN: BP4, BP7